The following is an entry in ClinVar:

ClinVar aggregate classification (germline): Pathogenic/Likely pathogenic. Review status: criteria provided, multiple submitters, no conflicts (2 of 4 stars). 6 submissions from 6 submitters: Pathogenic (3); Likely pathogenic (2). 1 of the submissions does not count toward it. Last evaluated 2026-01-22.

Conditions:
Nephrogenic diabetes insipidus. Identifiers: Orphanet 223, MedGen C0162283, MONDO:0016383, HP:0009806.
Diabetes insipidus, nephrogenic, autosomal (NDI2). Also called: Diabetes insipidus, nephrogenic, 2, autosomal; Nephrogenic Diabetes Insipidus, Type II. Identifiers: Orphanet 223, MedGen C1563706, MONDO:0007451, OMIM 125800.

Allele frequency attached by ClinVar (database versions not stated): ExAC 0.00001; gnomAD exomes 0.00001; TOPMed 0.00002; gnomAD 0.00003 and 0.00002; 1000 Genomes Project 0.00020; 1000 Genomes Project 30x 0.00016.
gnomAD v4.1: 14 of 1,599,382 alleles (0.00088%); highest among the groups gnomAD compares: African/African-American, 0.0067%; no homozygotes.

Submissions (6):

GeneDx
Classification: Likely pathogenic. Last evaluated: 2026-01-22. Review status: criteria provided, single submitter. Criteria: GeneDx Variant Classification Process June 2021. Collection method: clinical testing. Allele origin: germline.
Comment: In silico analysis suggests that this missense variant does not alter protein structure/function; This variant is associated with the following publications: (PMID: 29799470, 11857925, 24733887, 14593099, 9745427, 9550615, 10564236, 12191971, 20142913, 16825342, 32993088, 26069764, 38769718, 30784238, 19293543)

Natera, Inc.
Classification: Pathogenic for Nephrogenic diabetes insipidus. Last evaluated: 2025-09-04. Review status: criteria provided, single submitter. Criteria: Natera Variant Classification Schema (03/2026). Collection method: clinical testing. Allele origin: germline.
Comment: The c.374C>T variant in AQP2 is a missense variant predicted to cause substitution of threonine to methionine at amino acid 125. This variant is rare in the general population with a frequency below the threshold expected for the associated phenotype(s). This variant has been observed in one or more individuals affected with the associated recessive disease, as either homozygous or compound heterozygous with a second variant (PMID: 19293543, 30784238, 38769718). Additionally, this variant has been observed to segregate in affected family members (PMID: 19293543). Given the available evidence, this variant is classified as Pathogenic.

Labcorp Genetics (formerly Invitae), Labcorp
Classification: Pathogenic. Last evaluated: 2025-03-16. Review status: criteria provided, single submitter. Criteria: Invitae Variant Classification Sherloc (09022015). Collection method: clinical testing. Allele origin: germline.
Comment: This sequence change replaces threonine, which is neutral and polar, with methionine, which is neutral and non-polar, at codon 125 of the AQP2 protein (p.Thr125Met). This variant is present in population databases (rs104894333, gnomAD 0.01%). This missense change has been observed in individual(s) with autosomal recessive nephrogenic diabetes insipidus (PMID: 9550615, 19293543, 30784238). In at least one individual the data is consistent with being in trans (on the opposite chromosome) from a pathogenic variant. It has also been observed to segregate with disease in related individuals. ClinVar contains an entry for this variant (Variation ID: 17837). Invitae Evidence Modeling of protein sequence and biophysical properties (such as structural, functional, and spatial information, amino acid conservation, physicochemical variation, residue mobility, and thermodynamic stability) indicates that this missense variant is not expected to disrupt AQP2 protein function with a negative predictive value of 80%. Experimental studies have shown that this missense change affects AQP2 function (PMID: 9550615, 10564236). For these reasons, this variant has been classified as Pathogenic.

Fulgent Genetics
Classification: Likely pathogenic for Diabetes insipidus, nephrogenic, autosomal. Last evaluated: 2024-03-20. Review status: criteria provided, single submitter. Criteria: ACMG Guidelines, 2015. Collection method: clinical testing. Allele origin: germline.

3billion
Classification: Pathogenic for Diabetes insipidus, nephrogenic, autosomal. Review status: criteria provided, single submitter. Criteria: ACMG Guidelines, 2015. Collection method: clinical testing. Allele origin: unknown. Affected: yes. Observed: 1 homozygote.
Comment: The variant is observed at an extremely low frequency in the gnomAD v2.1.1 dataset (total allele frequency: <0.001%). Functional studies provide strong evidence of the variant having a damaging effect on the gene or gene product (PMID: 10564236, 9550615, 9745427). In silico tool predictions suggest damaging effect of the variant on gene or gene product (REVEL: 0.62). Same nucleotide change resulting in same amino acid change has been previously reported to be associated with AQP2 related disorder (ClinVar ID: VCV000017837 / PMID: 9745427). The variant has been reported to be in trans with a pathogenic variant as either compound heterozygous or homozygous in at least 2 similarly affected unrelated individuals (PMID: 19293543, 30784238, 9550615, 9745427). The variant has been reported to co-segregate with the disease in at least one similarly affected relative/individual in the same family or similarly affected unrelated family (PMID: 19293543, 9550615, 9745427). Therefore, this variant is classified as Pathogenic according to the recommendation of ACMG/AMP guideline.

OMIM
Classification: Pathogenic for DIABETES INSIPIDUS, NEPHROGENIC, 2, AUTOSOMAL RECESSIVE. Last evaluated: 1998-09-01. Review status: no assertion criteria provided. Collection method: literature only. Allele origin: germline. Not counted in ClinVar's aggregate classification.

Literature cited by the submitters: PubMed 19293543 (cited by 3 submitters); PubMed 30784238 (cited by 3 submitters); PubMed 38769718 (cited by Natera, Inc.); PubMed 9550615 (cited by Labcorp Genetics (formerly Invitae), Labcorp and 3billion); PubMed 10564236 (cited by Labcorp Genetics (formerly Invitae), Labcorp and 3billion); PubMed 9745427 (cited by 3billion and OMIM).

NM_000486.6(AQP2):c.374C>T (p.Thr125Met)

Genes: AQP2 (aquaporin 2; plus strand), AQP5-AS1 (AQP5 and AQP2 antisense RNA 2; minus strand). Cytogenetic location: 12q13.12.
Variant type: single nucleotide variant.
Coding change: c.374C>T on transcript NM_000486.6 (MANE Select); coding-DNA position 374, C replaced by T.
Protein change: p.Thr125Met; replaces threonine 125 with methionine.
Molecular consequence: missense variant. On other transcripts: non-coding transcript variant (1).
Genome position (GRCh38, 1-based): chr12:49,954,168, C>T. VCF-style: chr12-49954168-C-T. GRCh37 (hg19) VCF-style: chr12-50347951-C-T.
Other names: short protein forms T125M.
Identifiers: ClinVar variation 17837 (VCV000017837.15), dbSNP rs104894333, ClinGen allele CA127480.
Genomic context (GRCh38, chr12:49,954,168, plus strand): 5'-GGAAAGTGGGCTCAGTGTTCCCCTACCCGCCTCTTCTCTGTCCCCAGCTCAGCAACAGCA[C>T]GACGGCTGGCCAGGCGGTGACTGTGGAGCTCTTCCTGACACTGCAGCTGGTGCTCTGCAT-3'
Protein context (NP_000477.1, residues 115-135): DLAVNALSNS[Thr125Met]TAGQAVTVEL